The following is an entry in ClinVar:

NM_005732.4(RAD50):c.2467C>G (p.Arg823Gly)

Gene: RAD50 (RAD50 double strand break repair protein; plus strand). Cytogenetic location: 5q31.1.
Variant type: single nucleotide variant.
Coding change: c.2467C>G on transcript NM_005732.4 (MANE Select); coding-DNA position 2467, C replaced by G.
Protein change: p.Arg823Gly; replaces arginine 823 with glycine.
Molecular consequence: missense variant.
Genome position (GRCh38, 1-based): chr5:132,603,989, C>G. VCF-style: chr5-132603989-C-G. GRCh37 (hg19) VCF-style: chr5-131939681-C-G.
Other names: short protein forms R823G.
Identifiers: ClinVar variation 660425 (VCV000660425.14), dbSNP rs1060501936, ClinGen allele CA360955654.

ClinVar aggregate classification (germline): Uncertain significance. Review status: criteria provided, multiple submitters, no conflicts (2 of 4 stars). 2 submissions from 2 submitters: Uncertain significance (2). Last evaluated 2024-11-11.

Conditions:
Hereditary cancer-predisposing syndrome. Also called: Hereditary neoplastic syndrome; Neoplastic Syndromes, Hereditary; Hereditary Cancer Syndrome; Tumor predisposition. Identifiers: Orphanet 140162, MedGen C0027672, MeSH D009386, MONDO:0015356.

Allele frequency attached by ClinVar (database versions not stated): gnomAD exomes below 0.00001; gnomAD 0.00001; TOPMed 0.00001.
gnomAD v4.1: 2 of 1,613,192 alleles (0.00012%); highest among the groups gnomAD compares: Non-Finnish European, 0.00017%; no homozygotes.

Submissions (2):

Ambry Genetics
Classification: Uncertain significance for Hereditary cancer-predisposing syndrome. Last evaluated: 2024-11-11. Review status: criteria provided, single submitter. Criteria: Ambry Variant Classification Scheme 2023. Collection method: clinical testing. Allele origin: germline.
Comment: The p.R823G variant (also known as c.2467C>G), located in coding exon 15 of the RAD50 gene, results from a C to G substitution at nucleotide position 2467. The arginine at codon 823 is replaced by glycine, an amino acid with dissimilar properties. This amino acid position is well conserved in available vertebrate species. In addition, this alteration is predicted to be deleterious by in silico analysis. Since supporting evidence is limited at this time, the clinical significance of this alteration remains unclear.

Labcorp Genetics (formerly Invitae), Labcorp
Classification: Uncertain significance for Hereditary cancer-predisposing syndrome. Last evaluated: 2021-05-01. Review status: criteria provided, single submitter. Criteria: Invitae Variant Classification Sherloc (09022015). Collection method: clinical testing. Allele origin: germline.
Comment: This variant is not present in population databases (ExAC no frequency). This sequence change replaces arginine with glycine at codon 823 of the RAD50 protein (p.Arg823Gly). The arginine residue is moderately conserved and there is a moderate physicochemical difference between arginine and glycine. This variant has not been reported in the literature in individuals with RAD50-related disease. Algorithms developed to predict the effect of missense changes on protein structure and function are either unavailable or do not agree on the potential impact of this missense change (SIFT: "Tolerated"; PolyPhen-2: "Possibly Damaging"; Align-GVGD: "Class C0"). In summary, the available evidence is currently insufficient to determine the role of this variant in disease. Therefore, it has been classified as a Variant of Uncertain Significance.